The following is an entry in ClinVar:

GRCh38/hg38 2q13-14.1(chr2:110614125-112342396)x1

Genes: ACOXL (acyl-CoA oxidase like; plus strand), ACOXL-AS1 (ACOXL antisense RNA 1; minus strand), ANAPC1 (anaphase promoting complex subunit 1; minus strand), BCL2L11 (BCL2 like 11; plus strand), BUB1 (BUB1 mitotic checkpoint serine/threonine kinase; minus strand) and 47 more. Cytogenetic location: 2q13-14.1.
Variant type: copy number gain.
Change: copy number 1 (one copy instead of two) of chr2:110,614,125-112,342,396 (1.73 Mb, GRCh38 coordinates, 1-based), cytogenetic band 2q13-14.1.
Identifiers: ClinVar variation 4796065 (VCV004796065.1).

ClinVar aggregate classification (germline): Uncertain significance (1 of 4 stars; one submission).

Submission:

Medical Genetic Center, Changzhi Maternal and Child Health Care Hospital
Classification: Uncertain significance. Last evaluated: 2025-12-10. Review status: criteria provided, single submitter. Criteria: ACMG/ClinGen CNV Guidelines, 2019. Collection method: clinical testing. Allele origin: unknown.
Comment: 2q13 recurrent region (includes BCL2L11) (TS=1)